The following is an entry in ClinVar:

ClinVar aggregate classification (germline): Uncertain significance (1 of 4 stars; one submission).

Submission:

GeneDx
Classification: Uncertain significance. Last evaluated: 2022-12-27. Review status: criteria provided, single submitter. Criteria: GeneDx Variant Classification Process June 2021. Collection method: clinical testing. Allele origin: germline. Affected: yes.
Comment: Not observed at significant frequency in large population cohorts (gnomAD); In silico analysis supports that this missense variant has a deleterious effect on protein structure/function; Has not been previously published as pathogenic or benign to our knowledge

NM_001429.4(EP300):c.1927G>A (p.Glu643Lys)

Gene: EP300 (E1A binding protein p300; plus strand). Cytogenetic location: 22q13.2.
Variant type: single nucleotide variant.
Coding change: c.1927G>A on transcript NM_001429.4 (MANE Select); coding-DNA position 1927, G replaced by A.
Protein change: p.Glu643Lys; replaces glutamic acid 643 with lysine.
Molecular consequence: missense variant.
Genome position (GRCh38, 1-based): chr22:41,141,096, G>A. VCF-style: chr22-41141096-G-A. GRCh37 (hg19) VCF-style: chr22-41537100-G-A.
Other names: c.1927G>A, p.Glu643Lys (NM_001362843.2); short protein forms E643K.
Identifiers: ClinVar variation 2507253 (VCV002507253.1), dbSNP rs2145725993, ClinGen allele CA411688137.